The following is an entry in ClinVar:

NM_001244008.2(KIF1A):c.3580C>T (p.Leu1194Phe)

Gene: KIF1A (kinesin family member 1A; minus strand). Cytogenetic location: 2q37.3.
Variant type: single nucleotide variant.
Coding change: c.3580C>T on transcript NM_001244008.2 (MANE Select); coding-DNA position 3580, C replaced by T.
Protein change: p.Leu1194Phe; replaces leucine 1194 with phenylalanine.
Molecular consequence: missense variant.
Genome position (GRCh38, 1-based): chr2:240,743,946, G>A on the plus strand (C>T on the coding strand, the complement: KIF1A is on the minus strand). VCF-style: chr2-240743946-G-A. GRCh37 (hg19) VCF-style: chr2-241683363-G-A.
Other names: c.3304C>T, p.Leu1102Phe (NM_001320705.2, NM_001330289.2, NM_001379638.1); c.3379C>T, p.Leu1127Phe (NM_001330290.2, NM_001379634.1, NM_001379635.1 and 1 more transcripts); c.3655C>T, p.Leu1219Phe (NM_001379631.1); c.3529C>T, p.Leu1177Phe (NM_001379632.1); c.3553C>T, p.Leu1185Phe (NM_001379633.1, NM_001379642.1, NM_001379645.1); c.3277C>T, p.Leu1093Phe (NM_001379636.1, NM_001379639.1, NM_001379641.1 and 5 more transcripts); c.3352C>T, p.Leu1118Phe (NM_001379637.1, NM_001379648.1); c.3274C>T, p.Leu1092Phe (NM_001379640.1); short protein forms L1092F, L1093F, L1102F, L1118F, L1127F, L1177F, L1185F, L1194F.
Identifiers: ClinVar variation 1305264 (VCV001305264.13), dbSNP rs901485293, ClinGen allele CA68155458.

ClinVar aggregate classification (germline): Uncertain significance. Review status: criteria provided, multiple submitters, no conflicts (2 of 4 stars). 3 submissions from 3 submitters: Uncertain significance (3). Last evaluated 2023-04-22.

Conditions:
Neuropathy, hereditary sensory, type 2C. Also called: KIF1A-Related HSAN2 (HSAN2C); Hereditary sensory and autonomic neuropathy type IIC. Identifiers: Orphanet 970, MedGen C3280168, MONDO:0013634, OMIM 614213.
Intellectual disability, autosomal dominant 9 (NESCAVS). Also called: KIF1A-Related Neurodevelopmental Disorder; NESCAV SYNDROME. Identifiers: Orphanet 662367, MedGen C5393830, MONDO:0013656, OMIM 614255.
Hereditary spastic paraplegia 30. Identifiers: Orphanet 101010, MedGen C5235139, MONDO:0012476.

Allele frequency attached by ClinVar (database versions not stated): gnomAD exomes below 0.00001; gnomAD 0.00001; TOPMed 0.00002.
gnomAD v4.1: 3 of 1,609,978 alleles (0.00019%); highest among the groups gnomAD compares: African/African-American, 0.004%; no homozygotes.

Submissions (3):

Labcorp Genetics (formerly Invitae), Labcorp
Classification: Uncertain significance for Hereditary spastic paraplegia 30; Neuropathy, hereditary sensory, type 2C; Intellectual disability, autosomal dominant 9. Last evaluated: 2023-04-22. Review status: criteria provided, single submitter. Criteria: Invitae Variant Classification Sherloc (09022015). Collection method: clinical testing. Allele origin: germline.
Comment: This sequence change replaces leucine, which is neutral and non-polar, with phenylalanine, which is neutral and non-polar, at codon 1093 of the KIF1A protein (p.Leu1093Phe). This variant is not present in population databases (gnomAD no frequency). In summary, the available evidence is currently insufficient to determine the role of this variant in disease. Therefore, it has been classified as a Variant of Uncertain Significance. Advanced modeling of protein sequence and biophysical properties (such as structural, functional, and spatial information, amino acid conservation, physicochemical variation, residue mobility, and thermodynamic stability) performed at Invitae indicates that this missense variant is not expected to disrupt KIF1A protein function. ClinVar contains an entry for this variant (Variation ID: 1305264). This variant has not been reported in the literature in individuals affected with KIF1A-related conditions.

GeneDx
Classification: Uncertain significance. Last evaluated: 2019-02-08. Review status: criteria provided, single submitter. Criteria: GeneDx Variant Classification Process June 2021. Collection method: clinical testing. Allele origin: germline. Affected: yes.
Comment: Not observed in large population cohorts (Lek et al., 2016); In silico analysis, which includes protein predictors and evolutionary conservation, supports that this variant does not alter protein structure/function; Has not been previously published as pathogenic or benign to our knowledge

Genetic Services Laboratory, University of Chicago
Classification: Uncertain significance. Last evaluated: 2017-08-03. Review status: criteria provided, single submitter. Criteria: ACMG Guidelines, 2015. Collection method: clinical testing. Allele origin: germline. Affected: no.